The following is an entry in ClinVar:

NM_000465.4(BARD1):c.568G>T (p.Asp190Tyr)

Gene: BARD1 (BRCA1 associated RING domain 1; minus strand). Cytogenetic location: 2q35.
Variant type: single nucleotide variant.
Coding change: c.568G>T on transcript NM_000465.4 (MANE Select); coding-DNA position 568, G replaced by T.
Protein change: p.Asp190Tyr; replaces aspartic acid 190 with tyrosine.
Molecular consequence: missense variant. On other transcripts: non-coding transcript variant (2), intron variant (3).
Genome position (GRCh38, 1-based): chr2:214,781,306, C>A on the plus strand (G>T on the coding strand, the complement: BARD1 is on the minus strand). VCF-style: chr2-214781306-C-A. GRCh37 (hg19) VCF-style: chr2-215646030-C-A.
Other names: c.511G>T, p.Asp171Tyr (NM_001282543.2); c.158+28106G>T (NM_001282548.2); c.215+15755G>T (NM_001282545.2); c.364+10991G>T (NM_001282549.2); short protein forms D190Y, D171Y.
Identifiers: ClinVar variation 233470 (VCV000233470.15), dbSNP rs369561166, ClinGen allele CA2090408.
Genomic context (GRCh38, chr2:214,781,306, plus strand): 5'-TTTTCTTTTTTTGCTTTTTTCCAGATCTTGCAGAAGCCTTTTTAGCCCTCTCAGAAACAT[C>A]TGCAGGAGGACTTGGGGAAACAAATTCATATGAGTCTTGCTGAGCACTTGCATCTTTTTT-3'
Protein context (NP_000456.2, residues 180-200): YEFVSPSPPA[Asp190Tyr]VSERAKKASA

ClinVar aggregate classification (germline): Conflicting classifications of pathogenicity. Review status: criteria provided, conflicting classifications (1 of 4 stars). 2 submissions from 2 submitters: Uncertain significance (1); Likely benign (1). Last evaluated 2025-10-18.

Conditions:
Hereditary cancer-predisposing syndrome. Also called: Neoplastic Syndromes, Hereditary; Tumor predisposition; Hereditary Cancer Syndrome; Hereditary neoplastic syndrome. Identifiers: Orphanet 140162, MedGen C0027672, MeSH D009386, MONDO:0015356.
Familial cancer of breast. Also called: BREAST CANCER, FAMILIAL; hereditary breast carcinoma; Hereditary breast cancer. Identifiers: Orphanet 227535, MedGen C0346153, MONDO:0016419, OMIM 114480. Disease mechanism: loss of function.

gnomAD v4.1: 1 of 1,611,434 alleles (0.000062%); highest among the groups gnomAD compares: Non-Finnish European, 0.000085%; no homozygotes.

Submissions (2):

Labcorp Genetics (formerly Invitae), Labcorp
Classification: Uncertain significance for Familial cancer of breast. Last evaluated: 2025-10-18. Review status: criteria provided, single submitter. Criteria: Invitae Variant Classification Sherloc (09022015). Collection method: clinical testing. Allele origin: germline.
Comment: This sequence change replaces aspartic acid, which is acidic and polar, with tyrosine, which is neutral and polar, at codon 190 of the BARD1 protein (p.Asp190Tyr). This variant is present in population databases (rs369561166, gnomAD 0.0009%). This variant has not been reported in the literature in individuals affected with BARD1-related conditions. ClinVar contains an entry for this variant (Variation ID: 233470). An algorithm developed to predict the effect of missense changes on protein structure and function (PolyPhen-2) suggests that this variant is likely to be disruptive. Experimental studies have shown that this missense change does not substantially affect BARD1 function (PMID: 30925164). In summary, the available evidence is currently insufficient to determine the role of this variant in disease. Therefore, it has been classified as a Variant of Uncertain Significance.

Ambry Genetics
Classification: Likely benign for Hereditary cancer-predisposing syndrome. Last evaluated: 2020-10-13. Review status: criteria provided, single submitter. Criteria: Ambry Variant Classification Scheme 2023. Collection method: clinical testing. Allele origin: germline.

Literature cited by the submitters: PubMed 30925164 (cited by Labcorp Genetics (formerly Invitae), Labcorp and Ambry Genetics).